The following is an entry in ClinVar:

NM_130839.5(UBE3A):c.1607G>A (p.Arg536Gln)

Genes: SNHG14 (small nucleolar RNA host gene 14; plus strand), UBE3A (ubiquitin protein ligase E3A; minus strand). Cytogenetic location: 15q11.2.
Variant type: single nucleotide variant.
Coding change: c.1607G>A on transcript NM_130839.5 (MANE Select); coding-DNA position 1607, G replaced by A.
Protein change: p.Arg536Gln; replaces arginine 536 with glutamine.
Molecular consequence: missense variant. On other transcripts: non-coding transcript variant (1), intron variant (2).
Genome position (GRCh38, 1-based): chr15:25,370,567, C>T on the plus strand (G>A on the coding strand, the complement: UBE3A is on the minus strand). VCF-style: chr15-25370567-C-T. GRCh37 (hg19) VCF-style: chr15-25615714-C-T.
Other names: c.1616G>A, p.Arg539Gln (NM_000462.5); c.1607G>A, p.Arg536Gln (NM_001354505.1, NM_001354538.2, NM_001354545.2); c.1547G>A, p.Arg516Gln (NM_001354506.2, NM_001354507.2, NM_001354508.2 and 17 more transcripts); c.1430G>A, p.Arg477Gln (NM_001354546.2); c.301+4898G>A (NM_001354551.2); c.361+4898G>A (NM_001354550.2); short protein forms R516Q, R477Q, R536Q, R539Q.
Identifiers: ClinVar variation 1348942 (VCV001348942.10), dbSNP rs779375881, ClinGen allele CA7435526.

ClinVar aggregate classification (germline): Uncertain significance. Review status: criteria provided, multiple submitters, no conflicts (2 of 4 stars). 2 submissions from 2 submitters: Uncertain significance (2). Last evaluated 2026-03-16.

Conditions:
Angelman syndrome (AS). Also called: HAPPY PUPPET SYNDROME. Identifiers: Orphanet 72, MedGen C0162635, MONDO:0007113, OMIM 105830. Disease mechanism: loss of function. Inheritance: AS is caused by disruption of maternally imprinted UBE3A located within the 15q11.2-q13 Angelman syndrome/Prader-Willi syndrome (AS/PWS) region., imprinting disorder.

Allele frequency attached by ClinVar (database versions not stated): gnomAD exomes below 0.00001 and 0.00002; gnomAD 0.00001; TOPMed 0.00001; ExAC 0.00002.

Submissions (2):

Dasa
Classification: Uncertain significance. Last evaluated: 2026-03-16. Review status: criteria provided, single submitter. Criteria: DASA Assertion Criteria. Collection method: clinical testing. Allele origin: germline.
Comment: NM_130839.5(UBE3A):c.1607G>A (p.Arg536Gln) is a missense variant that results in the substitution of arginine with glutamine. Functional evidence supports an impact on the gene or gene product (PMID: 34815418). Also, this variant is rare in population databases. The currently available literature and clinical evidence are not sufficient to establish a definitive association between this variant and the reported condition. Therefore, this variant is classified as a variant of uncertain significance.

Labcorp Genetics (formerly Invitae), Labcorp
Classification: Uncertain significance for Angelman syndrome. Last evaluated: 2025-11-13. Review status: criteria provided, single submitter. Criteria: Invitae Variant Classification Sherloc (09022015). Collection method: clinical testing. Allele origin: germline.
Comment: This sequence change replaces arginine, which is basic and polar, with glutamine, which is neutral and polar, at codon 516 of the UBE3A protein (p.Arg516Gln). This variant is present in population databases (rs779375881, gnomAD 0.004%). This variant has not been reported in the literature in individuals affected with UBE3A-related conditions. ClinVar contains an entry for this variant (Variation ID: 1348942). An algorithm developed to predict the effect of missense changes on protein structure and function (PolyPhen-2) suggests that this variant is likely to be tolerated. Experimental studies have shown that this missense change affects UBE3A function (PMID: 34815418). In summary, the available evidence is currently insufficient to determine the role of this variant in disease. Therefore, it has been classified as a Variant of Uncertain Significance.

Literature cited by the submitters: PubMed 34815418 (cited by Dasa and Labcorp Genetics (formerly Invitae), Labcorp).